The following is an entry in ClinVar:

NM_003458.4(BSN):c.3196C>T (p.Arg1066Cys)

Gene: BSN (bassoon presynaptic cytomatrix protein; plus strand). Cytogenetic location: 3p21.31.
Variant type: single nucleotide variant.
Coding change: c.3196C>T on transcript NM_003458.4 (MANE Select); coding-DNA position 3196, C replaced by T.
Protein change: p.Arg1066Cys; replaces arginine 1066 with cysteine.
Molecular consequence: missense variant.
Genome position (GRCh38, 1-based): chr3:49,652,752, C>T. VCF-style: chr3-49652752-C-T. GRCh37 (hg19) VCF-style: chr3-49690185-C-T.
Other names: c.3196C>T (NM_003458.3); short protein forms R1066C.
Identifiers: ClinVar variation 3777119 (VCV003777119.1).

ClinVar aggregate classification (germline): Uncertain significance (1 of 4 stars; one submission).

Conditions:
BSN related epilepsy.

Submission:

University of Washington Department of Laboratory Medicine, University of Washington
Classification: Uncertain significance for BSN-related Epilepsy. Last evaluated: 2023-01-10. Review status: criteria provided, single submitter. Criteria: ACMG Guidelines, 2015. Collection method: clinical testing. Allele origin: maternal. Affected: yes.
Comment: The p.Arg1066Cys variant in the BSN gene has been previously reported in an individual with a history of febrile and generalized tonic-clonic seizures (Ye 2022). The previously reported individual was compound heterozygous for another missense variant of uncertain significance (p.Gly3525Trp) in the BSN gene. The p.Arg1066Cys variant has been identified in 23/230922 chromosomes by the Genome Aggregation Database. Although this variant has been seen in the general population, its frequency is low enough to be consistent with a recessive carrier frequency. In silico tools predict that this does not impact protein function; however, these predictions have not been tested directly. Using ACMG guidelines, this variant was classified as a variant of uncertain significance (ACMG evidence codes used: PM2_supporting, BP4).